The following is an entry in ClinVar:

NM_001903.5(CTNNA1):c.368A>G (p.Asn123Ser)

Gene: CTNNA1 (catenin alpha 1; plus strand). Cytogenetic location: 5q31.2.
Variant type: single nucleotide variant.
Coding change: c.368A>G on transcript NM_001903.5 (MANE Select); coding-DNA position 368, A replaced by G.
Protein change: p.Asn123Ser; replaces asparagine 123 with serine.
Molecular consequence: missense variant. On other transcripts: 5 prime UTR variant (1).
Genome position (GRCh38, 1-based): chr5:138,810,104, A>G. VCF-style: chr5-138810104-A-G. GRCh37 (hg19) VCF-style: chr5-138145793-A-G.
Other names: c.59A>G, p.Asn20Ser (NM_001290309.3); c.-2A>G (NM_001290310.3); c.368A>G, p.Asn123Ser (NM_001323982.2, NM_001323983.1, NM_001323984.2 and 3 more transcripts); c.368A>G (NM_001903.2); short protein forms N123S, N20S.
Identifiers: ClinVar variation 656969 (VCV000656969.12), dbSNP rs1581105631, ClinGen allele CA361123038.

ClinVar aggregate classification (germline): Conflicting classifications of pathogenicity. Review status: criteria provided, conflicting classifications (1 of 4 stars). 2 submissions from 2 submitters: Uncertain significance (1); Likely benign (1). Last evaluated 2024-07-24.

Conditions:
Hereditary cancer-predisposing syndrome. Also called: Hereditary neoplastic syndrome; Tumor predisposition; Neoplastic Syndromes, Hereditary; Hereditary Cancer Syndrome. Identifiers: Orphanet 140162, MedGen C0027672, MeSH D009386, MONDO:0015356.

Allele frequency attached by ClinVar (database versions not stated): gnomAD exomes below 0.00001.
gnomAD v4.1: 1 of 1,614,222 alleles (0.000062%); highest among the groups gnomAD compares: Non-Finnish European, 0.000085%; no homozygotes.

Submissions (2):

Ambry Genetics
Classification: Likely benign for Hereditary cancer-predisposing syndrome. Last evaluated: 2024-07-24. Review status: criteria provided, single submitter. Criteria: Ambry Variant Classification Scheme 2023. Collection method: clinical testing. Allele origin: germline.

Labcorp Genetics (formerly Invitae), Labcorp
Classification: Uncertain significance. Last evaluated: 2024-05-21. Review status: criteria provided, single submitter. Criteria: Invitae Variant Classification Sherloc (09022015). Collection method: clinical testing. Allele origin: germline.
Comment: This sequence change replaces asparagine, which is neutral and polar, with serine, which is neutral and polar, at codon 123 of the CTNNA1 protein (p.Asn123Ser). This variant is not present in population databases (gnomAD no frequency). This variant has not been reported in the literature in individuals affected with CTNNA1-related conditions. ClinVar contains an entry for this variant (Variation ID: 656969). Advanced modeling of protein sequence and biophysical properties (such as structural, functional, and spatial information, amino acid conservation, physicochemical variation, residue mobility, and thermodynamic stability) performed at Invitae indicates that this missense variant is not expected to disrupt CTNNA1 protein function with a negative predictive value of 80%. In summary, the available evidence is currently insufficient to determine the role of this variant in disease. Therefore, it has been classified as a Variant of Uncertain Significance.